The following is an entry in ClinVar:

NM_024675.4(PALB2):c.2028T>C (p.Ile676=)

Gene: PALB2 (partner and localizer of BRCA2; minus strand). Cytogenetic location: 16p12.2.
Variant type: single nucleotide variant.
Coding change: c.2028T>C on transcript NM_024675.4 (MANE Select); coding-DNA position 2028, T replaced by C.
Protein change: p.Ile676=; no amino-acid change (isoleucine 676 retained).
Molecular consequence: synonymous variant.
Genome position (GRCh38, 1-based): chr16:23,630,126, A>G on the plus strand (T>C on the coding strand, the complement: PALB2 is on the minus strand). VCF-style: chr16-23630126-A-G. GRCh37 (hg19) VCF-style: chr16-23641447-A-G.
Identifiers: ClinVar variation 820552 (VCV000820552.17), dbSNP rs763937788, ClinGen allele CA494461060.

ClinVar aggregate classification (germline): Benign/Likely benign. Review status: criteria provided, multiple submitters, no conflicts (2 of 4 stars). 5 submissions from 5 submitters: Benign (1); Likely benign (4). Last evaluated 2025-10-25.

Conditions:
Hereditary cancer-predisposing syndrome. Also called: Neoplastic Syndromes, Hereditary; Tumor predisposition; Hereditary Cancer Syndrome; Hereditary neoplastic syndrome. Identifiers: Orphanet 140162, MedGen C0027672, MeSH D009386, MONDO:0015356.
Familial cancer of breast. Also called: BREAST CANCER, FAMILIAL; Hereditary breast cancer; hereditary breast carcinoma. Identifiers: Orphanet 227535, MedGen C0346153, MONDO:0016419, OMIM 114480. Disease mechanism: loss of function.

Submissions (5):

Labcorp Genetics (formerly Invitae), Labcorp
Classification: Likely benign for Familial cancer of breast. Last evaluated: 2025-10-25. Review status: criteria provided, single submitter. Criteria: Invitae Variant Classification Sherloc (09022015). Collection method: clinical testing. Allele origin: germline.

Myriad Genetics, Inc.
Classification: Benign for Familial cancer of breast. Last evaluated: 2025-01-15. Review status: criteria provided, single submitter. Criteria: Myriad Autosomal Dominant, Autosomal Recessive and X-Linked Classification Criteria (2023). Collection method: clinical testing. Allele origin: unknown.
Comment: This variant is considered benign. This variant is a silent/synonymous amino acid change and it is not expected to impact splicing.

Hereditary Cancer Laboratory, Hospital Universitario 12 de Octubre
Classification: Likely benign for Hereditary cancer-predisposing syndrome. Last evaluated: 2024-08-11. Review status: criteria provided, single submitter. Criteria: ACMG Guidelines, 2015. Collection method: clinical testing. Allele origin: germline.
Comment: PMS2+BP4+BP6+BP7

Ambry Genetics
Classification: Likely benign for Hereditary cancer-predisposing syndrome. Last evaluated: 2019-11-14. Review status: criteria provided, single submitter. Criteria: Ambry Variant Classification Scheme 2023. Collection method: clinical testing. Allele origin: germline.

Color Diagnostics, LLC DBA Color Health
Classification: Likely benign for Hereditary cancer-predisposing syndrome. Last evaluated: 2019-06-24. Review status: criteria provided, single submitter. Criteria: ACMG Guidelines, 2015. Collection method: clinical testing. Allele origin: germline.